The following is an entry in ClinVar:

ClinVar aggregate classification (germline): Uncertain significance (1 of 4 stars; one submission).

Allele frequency attached by ClinVar (database versions not stated): TOPMed below 0.00001; gnomAD 0.00001; gnomAD exomes 0.00001.

Submission:

GeneDx
Classification: Uncertain significance. Last evaluated: 2023-02-06. Review status: criteria provided, single submitter. Criteria: GeneDx Variant Classification Process June 2021. Collection method: clinical testing. Allele origin: germline. Affected: yes.
Comment: In-frame deletion of 4 amino acids in a non-repeat region; In silico analysis supports that this variant does not alter protein structure/function; Has not been previously published as pathogenic or benign to our knowledge

NM_014159.7(SETD2):c.1897_1908del (p.Leu633_Phe636del)

Gene: SETD2 (SET domain containing 2, histone lysine methyltransferase; minus strand). Cytogenetic location: 3p21.31.
Variant type: Deletion.
Coding change: c.1897_1908del on transcript NM_014159.7 (MANE Select); coding-DNA positions 1897 to 1908, 12 bases deleted (TTGCCTATTTTT).
Protein change: p.Leu633_Phe636del.
Molecular consequence: inframe deletion. On other transcripts: inframe indel (1), non-coding transcript variant (1).
Genome position (GRCh38, 1-based): chr3:47,122,728-47,122,739, AAAAATAGGCAA deleted on the plus strand (TTGCCTATTTTT on the coding strand, the reverse complement: SETD2 is on the minus strand). VCF-style (leftmost placement, unchanged base first): chr3-47122727-TAAAAATAGGCAA-T. GRCh37 (hg19) VCF-style: chr3-47164217-TAAAAATAGGCAA-T.
Other names: c.1765_1776del, p.Leu589_Phe592del (NM_001349370.3); c.1897_1908delTTGCCTATTTTT, p.Leu633_Phe636del (NM_014159.6).
Identifiers: ClinVar variation 2574947 (VCV002574947.1), dbSNP rs1467963430, ClinGen allele CA543042862.